The following is an entry in ClinVar:

ClinVar aggregate classification (germline): Likely benign (1 of 4 stars; one submission).

Conditions:
EP300-related disorder. Also called: EP300-related condition; EP300-related disorders.

gnomAD v4.1: 4 of 1,614,068 alleles (0.00025%); highest among the groups gnomAD compares: Admixed American, 0.0067%; no homozygotes.

Submission:

PreventionGenetics, part of Exact Sciences
Classification: Likely benign for EP300-related condition. Last evaluated: 2026-04-03. Review status: criteria provided, single submitter. Criteria: ACMG Guidelines, 2015. Collection method: clinical testing. Allele origin: germline.
Comment: This variant is classified as likely benign based on ACMG/AMP sequence variant interpretation guidelines (Richards et al. 2015 PMID: 25741868, with internal and published modifications).

NM_001429.4(EP300):c.882T>A (p.Val294=)

Gene: EP300 (EP300 lysine acetyltransferase; plus strand). Cytogenetic location: 22q13.2.
Variant type: single nucleotide variant.
Coding change: c.882T>A on transcript NM_001429.4 (MANE Select); coding-DNA position 882, T replaced by A.
Protein change: p.Val294=; no amino-acid change (valine 294 retained).
Molecular consequence: synonymous variant.
Genome position (GRCh38, 1-based): chr22:41,126,016, T>A. VCF-style: chr22-41126016-T-A. GRCh37 (hg19) VCF-style: chr22-41522020-T-A.
Other names: c.882T>A, p.Val294= (NM_001362843.2).
Identifiers: ClinVar variation 4985621 (VCV004985621.1).